The following is an entry in ClinVar:

NM_000038.6(APC):c.494_495del (p.Leu165fs)

Gene: APC (APC regulator of Wnt signaling pathway; plus strand). Cytogenetic location: 5q22.2.
Variant type: Microsatellite.
Coding change: c.494_495del on transcript NM_000038.6 (MANE Select); coding-DNA positions 494 to 495, 2 bases deleted (TC; older notation c.494_495delTC).
Protein change: p.Leu165fs; shifts the reading frame from leucine 165.
Molecular consequence: frameshift variant. On other transcripts: 5 prime UTR variant (4), non-coding transcript variant (2).
Genome position (GRCh38, 1-based): chr5:112,775,700-112,775,701, TC deleted; deleting any 2 consecutive bases within chr5:112,775,698-112,775,701 gives the same sequence; the c. name uses the placement nearest the transcript's 3' end. VCF-style (leftmost placement, unchanged base first): chr5-112775697-ATC-A. GRCh37 (hg19) VCF-style: chr5-112111394-ATC-A.
Other names: c.494_495del, p.Leu165fs (NM_001127510.3, NM_001354895.2, NM_001354896.2 and 16 more transcripts); c.524_525del, p.Leu175fs (NM_001127511.3, NM_001354897.2, NM_001354902.2 and 1 more transcripts); c.419_420del, p.Leu140fs (NM_001354898.2, NM_001354904.2, NM_001407451.1); c.317_318del, p.Leu106fs (NM_001354900.2, NM_001354901.2, NM_001354905.2 and 1 more transcripts); c.-544TC[1] (NM_001354906.2, NM_001407470.1, NM_001407471.1 and 1 more transcripts); short protein forms L106fs, L140fs, L165fs, L175fs.
Identifiers: ClinVar variation 2583501 (VCV002583501.1), dbSNP rs2532414823, ClinGen allele CA2582341364.

ClinVar aggregate classification (germline): Pathogenic (1 of 4 stars; one submission).

Conditions:
Familial adenomatous polyposis 1 (FAP1). Also called: POLYPOSIS, ADENOMATOUS INTESTINAL; FAMILIAL ADENOMATOUS POLYPOSIS 1, ATTENUATED. Identifiers: MedGen C2713442, MONDO:0021056, OMIM 175100. Disease mechanism: loss of function.

Submission:

Myriad Genetics, Inc.
Classification: Pathogenic for Familial adenomatous polyposis 1. Last evaluated: 2023-04-26. Review status: criteria provided, single submitter. Criteria: Myriad Autosomal Dominant, Autosomal Recessive and X-Linked Classification Criteria (2023). Collection method: clinical testing. Allele origin: unknown.
Comment: This variant is considered pathogenic. This variant creates a frameshift predicted to result in premature protein truncation.